The following is an entry in ClinVar:

NM_000143.4(FH):c.601A>G (p.Ile201Val)

Gene: FH (fumarate hydratase; minus strand). Cytogenetic location: 1q43.
Variant type: single nucleotide variant.
Coding change: c.601A>G on transcript NM_000143.4 (MANE Select); coding-DNA position 601, A replaced by G.
Protein change: p.Ile201Val; replaces isoleucine 201 with valine.
Molecular consequence: missense variant.
Genome position (GRCh38, 1-based): chr1:241,508,740, T>C on the plus strand (A>G on the coding strand, the complement: FH is on the minus strand). VCF-style: chr1-241508740-T-C. GRCh37 (hg19) VCF-style: chr1-241672040-T-C.
Other names: c.601A>G (NM_000143.3); short protein forms I201V.
Identifiers: ClinVar variation 1026405 (VCV001026405.8), dbSNP rs1659997422, ClinGen allele CA345439418.

ClinVar aggregate classification (germline): Conflicting classifications of pathogenicity. Review status: criteria provided, conflicting classifications (1 of 4 stars). 3 submissions from 3 submitters: Uncertain significance (1); Likely benign (1). 1 of the submissions does not count toward it. Last evaluated 2025-12-22.

Conditions:
Fumarase deficiency (FMRD). Also called: Fumaric aciduria; Fumarate Hydratase Deficiency. Identifiers: Orphanet 24, MedGen C0342770, MONDO:0011730, OMIM 606812.
Hereditary cancer-predisposing syndrome. Also called: Hereditary neoplastic syndrome; Neoplastic Syndromes, Hereditary; Tumor predisposition; Hereditary Cancer Syndrome. Identifiers: Orphanet 140162, MedGen C0027672, MeSH D009386, MONDO:0015356.

Allele frequency attached by ClinVar (database versions not stated): gnomAD exomes below 0.00001; TOPMed below 0.00001.
gnomAD v4.1: 4 of 1,613,928 alleles (0.00025%); highest among the groups gnomAD compares: Non-Finnish European, 0.00034%; no homozygotes.

Submissions (3):

Labcorp Genetics (formerly Invitae), Labcorp
Classification: Uncertain significance. Last evaluated: 2025-12-22. Review status: criteria provided, single submitter. Criteria: Invitae Variant Classification Sherloc (09022015). Collection method: clinical testing. Allele origin: germline.
Comment: This sequence change replaces isoleucine, which is neutral and non-polar, with valine, which is neutral and non-polar, at codon 201 of the FH protein (p.Ile201Val). This variant is not present in population databases (gnomAD no frequency). This variant has not been reported in the literature in individuals affected with FH-related conditions. ClinVar contains an entry for this variant (Variation ID: 1026405). Invitae Evidence Modeling of protein sequence and biophysical properties (such as structural, functional, and spatial information, amino acid conservation, physicochemical variation, residue mobility, and thermodynamic stability) indicates that this missense variant is not expected to disrupt FH protein function with a negative predictive value of 95%. In summary, the available evidence is currently insufficient to determine the role of this variant in disease. Therefore, it has been classified as a Variant of Uncertain Significance.

Ambry Genetics
Classification: Likely benign for Hereditary cancer-predisposing syndrome. Last evaluated: 2025-01-06. Review status: criteria provided, single submitter. Criteria: Ambry Variant Classification Scheme 2023. Collection method: clinical testing. Allele origin: germline.

Natera, Inc.
Classification: Uncertain significance for Fumarase Deficiency. Last evaluated: 2021-09-17. Review status: no assertion criteria provided. Collection method: clinical testing. Allele origin: germline. Not counted in ClinVar's aggregate classification.